The following is an entry in ClinVar:

NM_030928.4(CDT1):c.757C>T (p.Arg253Cys)

Gene: CDT1 (chromatin licensing and DNA replication factor 1; plus strand). Cytogenetic location: 16q24.3.
Variant type: single nucleotide variant.
Coding change: c.757C>T on transcript NM_030928.4 (MANE Select); coding-DNA position 757, C replaced by T.
Protein change: p.Arg253Cys; replaces arginine 253 with cysteine.
Molecular consequence: missense variant.
Genome position (GRCh38, 1-based): chr16:88,805,794, C>T. VCF-style: chr16-88805794-C-T. GRCh37 (hg19) VCF-style: chr16-88872202-C-T.
Other names: c.757C>T (NM_030928.3); short protein forms R253C.
Identifiers: ClinVar variation 1041035 (VCV001041035.8), dbSNP rs143284523, ClinGen allele CA8233808.

ClinVar aggregate classification (germline): Uncertain significance. Review status: criteria provided, multiple submitters, no conflicts (2 of 4 stars). 2 submissions from 2 submitters: Uncertain significance (2). Last evaluated 2025-02-19.

Conditions:
Inborn genetic diseases. Identifiers: MedGen C0950123, MeSH D030342.

Allele frequency attached by ClinVar (database versions not stated): gnomAD exomes 0.00006 and 0.00010; ExAC 0.00009; gnomAD 0.00013 and 0.00016; TOPMed 0.00015; ESP Exome Variant Server 0.00023.

Submissions (2):

Ambry Genetics
Classification: Uncertain significance for Inborn genetic diseases. Last evaluated: 2025-02-19. Review status: criteria provided, single submitter. Criteria: Ambry Variant Classification Scheme 2023. Collection method: clinical testing. Allele origin: germline.

Labcorp Genetics (formerly Invitae), Labcorp
Classification: Uncertain significance. Last evaluated: 2024-12-16. Review status: criteria provided, single submitter. Criteria: Invitae Variant Classification Sherloc (09022015). Collection method: clinical testing. Allele origin: germline.
Comment: This sequence change replaces arginine, which is basic and polar, with cysteine, which is neutral and slightly polar, at codon 253 of the CDT1 protein (p.Arg253Cys). This variant is present in population databases (rs143284523, gnomAD 0.04%). This variant has not been reported in the literature in individuals affected with CDT1-related conditions. ClinVar contains an entry for this variant (Variation ID: 1041035). An algorithm developed to predict the effect of missense changes on protein structure and function outputs the following: PolyPhen-2: "Benign". The cysteine amino acid residue is found in multiple mammalian species, which suggests that this missense change does not adversely affect protein function. In summary, the available evidence is currently insufficient to determine the role of this variant in disease. Therefore, it has been classified as a Variant of Uncertain Significance.